The following is an entry in ClinVar:

ClinVar aggregate classification (germline): Uncertain significance (1 of 4 stars; one submission).

Allele frequency attached by ClinVar (database versions not stated): gnomAD exomes below 0.00001; gnomAD 0.00001; 1000 Genomes Project 30x 0.00016.
gnomAD v4.1: 2 of 1,607,608 alleles (0.00012%); highest among the groups gnomAD compares: East Asian, 0.0022%; no homozygotes.

Submission:

Labcorp Genetics (formerly Invitae), Labcorp
Classification: Uncertain significance. Last evaluated: 2024-11-04. Review status: criteria provided, single submitter. Criteria: Invitae Variant Classification Sherloc (09022015). Collection method: clinical testing. Allele origin: germline.
Comment: This sequence change replaces arginine, which is basic and polar, with histidine, which is basic and polar, at codon 103 of the SERPINH1 protein (p.Arg103His). This variant is not present in population databases (gnomAD no frequency). This variant has not been reported in the literature in individuals affected with SERPINH1-related conditions. ClinVar contains an entry for this variant (Variation ID: 1903363). Invitae Evidence Modeling of protein sequence and biophysical properties (such as structural, functional, and spatial information, amino acid conservation, physicochemical variation, residue mobility, and thermodynamic stability) indicates that this missense variant is not expected to disrupt SERPINH1 protein function with a negative predictive value of 95%. In summary, the available evidence is currently insufficient to determine the role of this variant in disease. Therefore, it has been classified as a Variant of Uncertain Significance.

NM_001235.5(SERPINH1):c.308G>A (p.Arg103His)

Gene: SERPINH1 (serpin family H member 1; plus strand). Cytogenetic location: 11q13.5.
Variant type: single nucleotide variant.
Coding change: c.308G>A on transcript NM_001235.5 (MANE Select); coding-DNA position 308, G replaced by A.
Protein change: p.Arg103His; replaces arginine 103 with histidine.
Molecular consequence: missense variant.
Genome position (GRCh38, 1-based): chr11:75,566,657, G>A. VCF-style: chr11-75566657-G-A. GRCh37 (hg19) VCF-style: chr11-75277702-G-A.
Other names: c.308G>A, p.Arg103His (NM_001207014.3); short protein forms R103H.
Identifiers: ClinVar variation 1903363 (VCV001903363.5), dbSNP rs1485163348, ClinGen allele CA381889534.